The following is an entry in ClinVar:

NM_015215.4(CAMTA1):c.613G>T (p.Glu205Ter)

Gene: CAMTA1 (calmodulin binding transcription activator 1; plus strand). Cytogenetic location: 1p36.23.
Variant type: single nucleotide variant.
Coding change: c.613G>T on transcript NM_015215.4 (MANE Select); coding-DNA position 613, G replaced by T.
Protein change: p.Glu205Ter; replaces glutamic acid 205 with a stop codon.
Molecular consequence: nonsense.
Genome position (GRCh38, 1-based): chr1:7,640,502, G>T. VCF-style: chr1-7640502-G-T. GRCh37 (hg19) VCF-style: chr1-7700562-G-T.
Other names: c.523G>T, p.Glu175Ter (NM_001349608.2, NM_001349612.2); c.613G>T, p.Glu205Ter (NM_001349609.2, NM_001349610.2); short protein forms E205*, E175*.
Identifiers: ClinVar variation 450600 (VCV000450600.2), dbSNP rs1553231167, ClinGen allele CA338112917.

ClinVar aggregate classification (germline): Pathogenic (1 of 4 stars; one submission).

Submission:

GeneDx
Classification: Pathogenic. Last evaluated: 2017-07-18. Review status: criteria provided, single submitter. Criteria: GeneDx Variant Classification (06012015). Collection method: clinical testing. Allele origin: germline. Affected: yes.
Comment: The E205X variant in the CAMTA1 gene has not been reported previously as a pathogenic variant nor as a benign variant, to our knowledge. This variant is predicted to cause loss of normal protein function either through protein truncation or nonsense-mediated mRNA decay. The E205X variant is not observed in large population cohorts (Lek et al., 2016; 1000 Genomes Consortium et al., 2015; Exome Variant Server). We interpret E205X as a pathogenic variant.